The following is an entry in ClinVar:

ClinVar aggregate classification (germline): Uncertain significance (1 of 4 stars; one submission).

Submission:

Labcorp Genetics (formerly Invitae), Labcorp
Classification: Uncertain significance. Last evaluated: 2021-11-28. Review status: criteria provided, single submitter. Criteria: Invitae Variant Classification Sherloc (09022015). Collection method: clinical testing. Allele origin: germline.
Comment: This sequence change replaces proline, which is neutral and non-polar, with alanine, which is neutral and non-polar, at codon 2370 of the OTOG protein (p.Pro2370Ala). This variant is not present in population databases (gnomAD no frequency). This variant has not been reported in the literature in individuals affected with OTOG-related conditions. Algorithms developed to predict the effect of missense changes on protein structure and function are either unavailable or do not agree on the potential impact of this missense change (SIFT: "Deleterious"; PolyPhen-2: "Possibly Damaging"; Align-GVGD: "Class C0"). Algorithms developed to predict the effect of sequence changes on RNA splicing suggest that this variant may create or strengthen a splice site. In summary, the available evidence is currently insufficient to determine the role of this variant in disease. Therefore, it has been classified as a Variant of Uncertain Significance.

NM_001292063.2(OTOG):c.7072C>G (p.Pro2358Ala)

Gene: OTOG (otogelin; plus strand). Cytogenetic location: 11p15.1.
Variant type: single nucleotide variant.
Coding change: c.7072C>G on transcript NM_001292063.2 (MANE Select); coding-DNA position 7072, C replaced by G.
Protein change: p.Pro2358Ala; replaces proline 2358 with alanine.
Molecular consequence: missense variant.
Genome position (GRCh38, 1-based): chr11:17,632,226, C>G. VCF-style: chr11-17632226-C-G. GRCh37 (hg19) VCF-style: chr11-17653773-C-G.
Other names: c.7108C>G, p.Pro2370Ala (NM_001277269.2); short protein forms P2370A, P2358A.
Identifiers: ClinVar variation 1395551 (VCV001395551.6), dbSNP rs1216988583, ClinGen allele CA379810925.